The following is an entry in ClinVar:

ClinVar aggregate classification (germline): Likely benign (0 of 4 stars; one submission).

Conditions:
LAMA5-related disorder. Also called: LAMA5-Related Disorders; LAMA5-related condition.

Allele frequency attached by ClinVar (database versions not stated): TOPMed below 0.00001.

Submission:

PreventionGenetics, part of Exact Sciences
Classification: Likely benign for LAMA5-related condition. Last evaluated: 2019-08-01. Review status: no assertion criteria provided. Collection method: clinical testing. Allele origin: germline.
Comment: This variant is classified as likely benign based on ACMG/AMP sequence variant interpretation guidelines (Richards et al. 2015 PMID: 25741868, with internal and published modifications).

NM_005560.6(LAMA5):c.10446+9C>G

Gene: LAMA5 (laminin subunit alpha 5; minus strand). Cytogenetic location: 20q13.33.
Variant type: single nucleotide variant.
Coding change: c.10446+9C>G on transcript NM_005560.6 (MANE Select); 9 bases into the intron after coding-DNA position 10446, C replaced by G.
Molecular consequence: intron variant.
Genome position (GRCh38, 1-based): chr20:62,310,656, G>C on the plus strand (C>G on the coding strand, the complement: LAMA5 is on the minus strand). VCF-style: chr20-62310656-G-C. GRCh37 (hg19) VCF-style: chr20-60885712-G-C.
Identifiers: ClinVar variation 3034546 (VCV003034546.2), dbSNP rs749149554, ClinGen allele CA317230964.